The following is an entry in ClinVar:

NM_025114.4(CEP290):c.5145T>G (p.Asn1715Lys)

Gene: CEP290 (centrosomal protein 290; minus strand). Cytogenetic location: 12q21.32.
Variant type: single nucleotide variant.
Coding change: c.5145T>G on transcript NM_025114.4 (MANE Select); coding-DNA position 5145, T replaced by G.
Protein change: p.Asn1715Lys; replaces asparagine 1715 with lysine.
Molecular consequence: missense variant.
Genome position (GRCh38, 1-based): chr12:88,080,263, A>C on the plus strand (T>G on the coding strand, the complement: CEP290 is on the minus strand). VCF-style: chr12-88080263-A-C. GRCh37 (hg19) VCF-style: chr12-88474040-A-C.
Other names: short protein forms N1715K.
Identifiers: ClinVar variation 422365 (VCV000422365.10), dbSNP rs568619750, ClinGen allele CA6711787.

ClinVar aggregate classification (germline): Uncertain significance. Review status: criteria provided, multiple submitters, no conflicts (2 of 4 stars). 6 submissions from 6 submitters: Uncertain significance (5). 1 of the submissions does not count toward it. Last evaluated 2025-10-16.

Conditions:
CEP290-related disorder. Also called: CEP290-related condition; CEP290-related disorders. Identifiers: MedGen CN239314.
Inborn genetic diseases. Identifiers: MedGen C0950123, MeSH D030342.
Nephronophthisis. Also called: Juvenile Nephronophthisis. Identifiers: Orphanet 655, MedGen C0687120, MONDO:0019005, HP:0000090.
Meckel-Gruber syndrome. Also called: Dysencephalia splachnocystica; DYSENCEPHALIA SPLANCHNOCYSTICA; GRUBER SYNDROME. Identifiers: Orphanet 564, MedGen C0265215, MONDO:0018921.
Joubert syndrome. Also called: JOUBERT-BOLTSHAUSER SYNDROME; Familial aplasia of the vermis. Identifiers: Orphanet 475, MedGen C5979921, MONDO:0018772.
Joubert syndrome 5 (JBTS5). Identifiers: Orphanet 2318, MedGen C1857780, MONDO:0012432, OMIM 610188.
Bardet-Biedl syndrome 14 (BBS14). Identifiers: Orphanet 110, MedGen C2673874, MONDO:0014442, OMIM 615991.
Meckel syndrome, type 4 (MKS4). Also called: MECKEL-GRUBER SYNDROME, TYPE 4. Identifiers: Orphanet 564, MedGen C1970161, MONDO:0012626, OMIM 611134.
Senior-Loken syndrome 6 (SLSN6). Identifiers: Orphanet 3156, MedGen C1857779, MONDO:0012433, OMIM 610189.
Leber congenital amaurosis 10 (LCA10). Identifiers: Orphanet 65, MedGen C1857821, MONDO:0012723, OMIM 611755.
Leber congenital amaurosis (LCA). Also called: Leber's amaurosis. Identifiers: Orphanet 65, MedGen C0339527, MeSH D057130, MONDO:0018998.

Allele frequency attached by ClinVar (database versions not stated): gnomAD below 0.00001 and 0.00003; TOPMed 0.00001; gnomAD exomes 0.00003 and 0.00008; ExAC 0.00007; 1000 Genomes Project 30x 0.00016; 1000 Genomes Project 0.00020.
gnomAD v4.1: 54 of 1,613,258 alleles (0.0033%); highest among the groups gnomAD compares: South Asian, 0.059%; 2 homozygotes.

Submissions (6):

PreventionGenetics, part of Exact Sciences
Classification: Uncertain significance for CEP290-related condition. Last evaluated: 2025-10-16. Review status: criteria provided, single submitter. Criteria: ACMG Guidelines, 2015. Collection method: clinical testing. Allele origin: germline.
Comment: The CEP290 c.5145T>G variant is predicted to result in the amino acid substitution p.Asn1715Lys. To our knowledge, this variant has not been reported in the literature. This variant is reported in 0.065% of alleles in individuals of South Asian descent in gnomAD. Although we suspect that this variant may be benign, at this time, the clinical significance of this variant is uncertain due to the absence of conclusive functional and genetic evidence.

Ambry Genetics
Classification: Uncertain significance for Inborn genetic diseases. Last evaluated: 2025-04-20. Review status: criteria provided, single submitter. Criteria: Ambry Variant Classification Scheme 2023. Collection method: clinical testing. Allele origin: germline.

Labcorp Genetics (formerly Invitae), Labcorp
Classification: Uncertain significance for Joubert syndrome; Meckel-Gruber syndrome; Nephronophthisis. Last evaluated: 2024-01-24. Review status: criteria provided, single submitter. Criteria: Invitae Variant Classification Sherloc (09022015). Collection method: clinical testing. Allele origin: germline.
Comment: This sequence change replaces asparagine, which is neutral and polar, with lysine, which is basic and polar, at codon 1715 of the CEP290 protein (p.Asn1715Lys). This variant is present in population databases (rs568619750, gnomAD 0.07%). This variant has not been reported in the literature in individuals affected with CEP290-related conditions. ClinVar contains an entry for this variant (Variation ID: 422365). Advanced modeling of protein sequence and biophysical properties (such as structural, functional, and spatial information, amino acid conservation, physicochemical variation, residue mobility, and thermodynamic stability) performed at Invitae indicates that this missense variant is expected to disrupt CEP290 protein function with a positive predictive value of 80%. In summary, the available evidence is currently insufficient to determine the role of this variant in disease. Therefore, it has been classified as a Variant of Uncertain Significance.

Fulgent Genetics
Classification: Uncertain significance for Joubert syndrome 5; Senior-Loken syndrome 6; Meckel syndrome, type 4; Leber congenital amaurosis 10; Bardet-Biedl syndrome 14. Last evaluated: 2021-09-20. Review status: criteria provided, single submitter. Criteria: ACMG Guidelines, 2015. Collection method: clinical testing. Allele origin: unknown.

GeneDx
Classification: Uncertain significance. Last evaluated: 2018-12-11. Review status: criteria provided, single submitter. Criteria: GeneDx Variant Classification (06012015). Collection method: clinical testing. Allele origin: germline. Affected: yes.
Comment: A variant of uncertain significance has been identified in the CEP290 gene. The N1715K variant has not been published as a pathogenic variant, nor has it been reported as a benign variant to our knowledge. The N1715K variant was not observed in approximately 6,000 individuals of European and African American ancestry in the NHLBI Exome Sequencing Project and was not observed with any significant frequency in the 1000 Genomes Project. The N1715K variant is a semi-conservative amino acid substitution, which may impact secondary protein structure as these residues differ in some properties. This substitution occurs at a position that is conserved across species, and in silico analysis predicts this variant is probably damaging to the protein structure/function. Based on the currently available information, it is unclear whether this variant is a pathogenic variant or a rare benign variant.

Natera, Inc.
Classification: Uncertain significance for Leber congenital amaurosis. Last evaluated: 2020-04-17. Review status: no assertion criteria provided. Collection method: clinical testing. Allele origin: germline. Not counted in ClinVar's aggregate classification.